The following is an entry in ClinVar:

NM_000274.4(OAT):c.200-10T>C

Gene: OAT (ornithine aminotransferase; minus strand). Cytogenetic location: 10q26.13.
Variant type: single nucleotide variant.
Coding change: c.200-10T>C on transcript NM_000274.4 (MANE Select); 10 bases into the intron before coding-DNA position 200, T replaced by C.
Molecular consequence: intron variant.
Genome position (GRCh38, 1-based): chr10:124,408,975, A>G on the plus strand (T>C on the coding strand, the complement: OAT is on the minus strand). VCF-style: chr10-124408975-A-G. GRCh37 (hg19) VCF-style: chr10-126097544-A-G.
Other names: c.200-10T>C (NM_001322965.2, NM_001322969.2, NM_001322966.2 and 3 more transcripts); c.-215-10T>C (NM_001171814.2); c.-515-10T>C (NM_001322974.2); c.199+2998T>C (NM_001322971.2).
Identifiers: ClinVar variation 299172 (VCV000299172.19), dbSNP rs80313473, ClinGen allele CA5733577.
Genomic context (GRCh38, chr10:124,408,975, plus strand): 5'-AACTCAGGAAGTCAAAATATTTTCTGCCTTCTACATCCCATAAGTAAATACCTAAAATAC[A>G]TAAGAAAGGAAAATAATTTTAGACAATTACTATACGGCATAAAGTCCAAAAATTAAGAGT-3'

ClinVar aggregate classification (germline): Benign. Review status: criteria provided, multiple submitters, no conflicts (2 of 4 stars). 4 submissions from 4 submitters: Benign (2). 2 of the submissions do not count toward it. Last evaluated 2026-02-02.

Conditions:
Ornithine aminotransferase deficiency (GACR). Also called: OAT DEFICIENCY; OKT DEFICIENCY; Ornithine ketoacid aminotransferase deficiency; Gyrate atrophy; Gyrate atrophy of choroid and retina; Girate atrophy of the retina. Identifiers: Orphanet 414, MedGen C0018425, MONDO:0009796, OMIM 258870.

Allele frequency attached by ClinVar (database versions not stated): gnomAD exomes 0.00072 and 0.00180; ExAC 0.00264; gnomAD 0.00734 and 0.00780; ESP Exome Variant Server 0.00762; TOPMed 0.00800; 1000 Genomes Project 30x 0.00953; 1000 Genomes Project 0.00958.
gnomAD v4.1: 2,202 of 1,596,972 alleles (0.14%); highest among the groups gnomAD compares: African/African-American, 2.6%; 27 homozygotes.

Submissions (4):

Labcorp Genetics (formerly Invitae), Labcorp
Classification: Benign for Ornithine aminotransferase deficiency. Last evaluated: 2026-02-02. Review status: criteria provided, single submitter. Criteria: Invitae Variant Classification Sherloc (09022015). Collection method: clinical testing. Allele origin: germline.

Illumina Laboratory Services, Illumina
Classification: Benign for Ornithine aminotransferase deficiency. Last evaluated: 2018-01-12. Review status: criteria provided, single submitter. Criteria: ICSL Variant Classification Criteria 13 December 2019. Collection method: clinical testing. Allele origin: germline.
Comment: This variant was observed in the ICSL laboratory as part of a predisposition screen in an ostensibly healthy population. It had not been previously curated by ICSL or reported in the Human Gene Mutation Database (HGMD: prior to June 1st, 2018), and was therefore a candidate for classification through an automated scoring system. Utilizing variant allele frequency, disease prevalence and penetrance estimates, and inheritance mode, an automated score was calculated to assess if this variant is too frequent to cause the disease. Based on the score and internal cut-off values, a variant classified as benign is not then subjected to further curation. The score for this variant resulted in a classification of benign for this disease.

Clinical Genetics DNA and cytogenetics Diagnostics Lab, Erasmus MC, Erasmus Medical Center
Classification: Benign. Review status: no assertion criteria provided. Collection method: clinical testing. Allele origin: germline. Affected: yes. Study: VKGL Data-share Consensus. Not counted in ClinVar's aggregate classification.

Clinical Genetics, Academic Medical Center
Classification: Benign. Review status: no assertion criteria provided. Collection method: clinical testing. Allele origin: germline. Affected: yes. Study: VKGL Data-share Consensus. Not counted in ClinVar's aggregate classification.